The following is an entry in ClinVar:

ClinVar aggregate classification (germline): Uncertain significance (1 of 4 stars; one submission).

Conditions:
Epileptic encephalopathy. Identifiers: MedGen C0543888, HP:0200134.

Submission:

Labcorp Genetics (formerly Invitae), Labcorp
Classification: Uncertain significance for Epileptic encephalopathy. Last evaluated: 2023-12-06. Review status: criteria provided, single submitter. Criteria: Invitae Variant Classification Sherloc (09022015). Collection method: clinical testing. Allele origin: germline.
Comment: This sequence change creates a premature translational stop signal (p.Asp599Serfs*16) in the RYR3 gene. It is expected to result in an absent or disrupted protein product. However, the current clinical and genetic evidence is not sufficient to establish whether loss-of-function variants in RYR3 cause disease. This variant is not present in population databases (gnomAD no frequency). This variant has not been reported in the literature in individuals affected with RYR3-related conditions. ClinVar contains an entry for this variant (Variation ID: 1466818). In summary, the available evidence is currently insufficient to determine the role of this variant in disease. Therefore, it has been classified as a Variant of Uncertain Significance.

NM_001036.6(RYR3):c.1795_1814del (p.Asp599fs)

Gene: RYR3 (ryanodine receptor 3; plus strand). Cytogenetic location: 15q14.
Variant type: Deletion.
Coding change: c.1795_1814del on transcript NM_001036.6 (MANE Select); coding-DNA positions 1795 to 1814, 20 bases deleted (GATATCCTGTGCTCCCTCTG).
Protein change: p.Asp599fs; shifts the reading frame from aspartic acid 599.
Molecular consequence: frameshift variant.
Genome position (GRCh38, 1-based): chr15:33,601,425-33,601,444, GATATCCTGTGCTCCCTCTG deleted; deleting any 20 consecutive bases within chr15:33,601,421-33,601,444 gives the same sequence; the c. name uses the placement nearest the transcript's 3' end. VCF-style (leftmost placement, unchanged base first): chr15-33601420-TTCTGGATATCCTGTGCTCCC-T. GRCh37 (hg19) VCF-style: chr15-33893621-TTCTGGATATCCTGTGCTCCC-T.
Other names: c.1795_1814del, p.Asp599fs (NM_001243996.4); short protein forms D599fs.
Identifiers: ClinVar variation 1466818 (VCV001466818.6), dbSNP rs2152551537, ClinGen allele CA2573150620.